The following is an entry in ClinVar:

ClinVar aggregate classification (germline): Uncertain significance (1 of 4 stars; one submission).

Conditions:
Amyotrophic lateral sclerosis type 1 (ALS1). Also called: AMYOTROPHIC LATERAL SCLEROSIS 1, FAMILIAL. Identifiers: Orphanet 803, MedGen C1862939, MONDO:0007103, OMIM 105400.
Perry syndrome. Also called: PARKINSONISM WITH ALVEOLAR HYPOVENTILATION AND MENTAL DEPRESSION. Identifiers: Orphanet 178509, MedGen C1868594, MONDO:0008201, OMIM 168605.
Neuronopathy, distal hereditary motor, type 7B. Also called: NEURONOPATHY, DISTAL HEREDITARY MOTOR, AUTOSOMAL DOMINANT 14; NEURONOPATHY, DISTAL HEREDITARY MOTOR, HARDING TYPE VIIB; NEUROPATHY, DISTAL HEREDITARY MOTOR, HARDING TYPE VIIB; NEUROPATHY, DISTAL HEREDITARY MOTOR, WITH VOCAL CORD PARALYSIS, HARDING TYPE VIIB; Distal Hereditary Motor Neuronopathy Type 7B (dHMN7B); HMN VIIB. Identifiers: Orphanet 139589, MedGen C1843315, MONDO:0011879, OMIM 607641.

Allele frequency attached by ClinVar (database versions not stated): gnomAD exomes below 0.00001.
gnomAD v4.1: 2 of 1,603,970 alleles (0.00012%); highest among the groups gnomAD compares: Admixed American, 0.0017%; no homozygotes.

Submission:

Labcorp Genetics (formerly Invitae), Labcorp
Classification: Uncertain significance for Amyotrophic lateral sclerosis type 1; Neuronopathy, distal hereditary motor, type 7B; Perry syndrome. Last evaluated: 2022-07-25. Review status: criteria provided, single submitter. Criteria: Invitae Variant Classification Sherloc (09022015). Collection method: clinical testing. Allele origin: germline.
Comment: In summary, the available evidence is currently insufficient to determine the role of this variant in disease. Therefore, it has been classified as a Variant of Uncertain Significance. Variants that disrupt the consensus splice site are a relatively common cause of aberrant splicing (PMID: 17576681, 9536098). Algorithms developed to predict the effect of sequence changes on RNA splicing suggest that this variant is not likely to affect RNA splicing. This variant has not been reported in the literature in individuals affected with DCTN1-related conditions. This variant is not present in population databases (gnomAD no frequency). This sequence change falls in intron 4 of the DCTN1 gene. It does not directly change the encoded amino acid sequence of the DCTN1 protein. It affects a nucleotide within the consensus splice site.

Literature cited by the submitters: PubMed 17576681; PubMed 9536098.

NM_004082.5(DCTN1):c.394-3C>T

Gene: DCTN1 (dynactin subunit 1; minus strand). Cytogenetic location: 2p13.1.
Variant type: single nucleotide variant.
Coding change: c.394-3C>T on transcript NM_004082.5 (MANE Select); 3 bases into the intron before coding-DNA position 394, C replaced by T.
Molecular consequence: intron variant.
Genome position (GRCh38, 1-based): chr2:74,376,765, G>A on the plus strand (C>T on the coding strand, the complement: DCTN1 is on the minus strand). VCF-style: chr2-74376765-G-A. GRCh37 (hg19) VCF-style: chr2-74603892-G-A.
Other names: c.342+667C>T (NM_001190836.2); c.343-3C>T (NM_001378992.1, NM_001378991.1); c.393+667C>T (NM_001135040.3, NM_001190837.2).
Identifiers: ClinVar variation 2127119 (VCV002127119.4), dbSNP rs2529207479, ClinGen allele CA2580068194.